The following is an entry in ClinVar:

ClinVar aggregate classification (germline): Uncertain significance. Review status: criteria provided, single submitter (1 of 4 stars). 2 submissions from 2 submitters: Uncertain significance (1). 1 of the submissions does not count toward it. Last evaluated 2023-05-23.

Conditions:
Sanfilippo syndrome. Also called: Mucopolysaccharidosis type 3; Sanfilippo disease; Mucopolysaccharidosis Type III. Identifiers: Orphanet 581, MedGen C0026706, MONDO:0018937.
Mucopolysaccharidosis, MPS-III-D (MPS3D). Also called: MPS IIID (Sanfilippo Syndrome Type D); N-ACETYLGLUCOSAMINE-6-SULFATASE DEFICIENCY; MUCOPOLYSACCHARIDOSIS, TYPE IIID; SANFILIPPO SYNDROME D; MPS III D; Mucopoly-saccharidosis type 3D. Identifiers: Orphanet 581, Orphanet 79272, MedGen C0086650, MONDO:0009658, OMIM 252940.

Allele frequency attached by ClinVar (database versions not stated): gnomAD 0.00001; gnomAD exomes 0.00001; TOPMed 0.00001; ExAC 0.00004.
gnomAD v4.1: 22 of 1,563,732 alleles (0.0014%); highest among the groups gnomAD compares: Non-Finnish European, 0.0017%; no homozygotes.

Submissions (2):

Labcorp Genetics (formerly Invitae), Labcorp
Classification: Uncertain significance for Mucopolysaccharidosis, MPS-III-D. Last evaluated: 2023-05-23. Review status: criteria provided, single submitter. Criteria: Invitae Variant Classification Sherloc (09022015). Collection method: clinical testing. Allele origin: germline.
Comment: This sequence change replaces threonine, which is neutral and polar, with alanine, which is neutral and non-polar, at codon 54 of the GNS protein (p.Thr54Ala). The frequency data for this variant in the population databases is considered unreliable, as metrics indicate poor data quality at this position in the gnomAD database. In summary, the available evidence is currently insufficient to determine the role of this variant in disease. Therefore, it has been classified as a Variant of Uncertain Significance. Advanced modeling of protein sequence and biophysical properties (such as structural, functional, and spatial information, amino acid conservation, physicochemical variation, residue mobility, and thermodynamic stability) performed at Invitae indicates that this missense variant is not expected to disrupt GNS protein function. ClinVar contains an entry for this variant (Variation ID: 1018787). This variant has not been reported in the literature in individuals affected with GNS-related conditions.

Natera, Inc.
Classification: Uncertain significance for Sanfilippo disease. Last evaluated: 2020-07-22. Review status: no assertion criteria provided. Collection method: clinical testing. Allele origin: germline. Not counted in ClinVar's aggregate classification.

NM_002076.4(GNS):c.160A>G (p.Thr54Ala)

Gene: GNS (glucosamine (N-acetyl)-6-sulfatase; minus strand). Cytogenetic location: 12q14.3.
Variant type: single nucleotide variant.
Coding change: c.160A>G on transcript NM_002076.4 (MANE Select); coding-DNA position 160, A replaced by G.
Protein change: p.Thr54Ala; replaces threonine 54 with alanine.
Molecular consequence: missense variant.
Genome position (GRCh38, 1-based): chr12:64,759,117, T>C on the plus strand (A>G on the coding strand, the complement: GNS is on the minus strand). VCF-style: chr12-64759117-T-C. GRCh37 (hg19) VCF-style: chr12-65152897-T-C.
Other names: short protein forms T54A.
Identifiers: ClinVar variation 1018787 (VCV001018787.4), dbSNP rs768291103, ClinGen allele CA6670040.